The following is an entry in ClinVar:

NM_006767.4(LZTR1):c.1019G>A (p.Arg340Gln)

Gene: LZTR1 (leucine zipper like post translational regulator 1; plus strand). Cytogenetic location: 22q11.21.
Variant type: single nucleotide variant.
Coding change: c.1019G>A on transcript NM_006767.4 (MANE Select); coding-DNA position 1019, G replaced by A.
Protein change: p.Arg340Gln; replaces arginine 340 with glutamine.
Molecular consequence: missense variant.
Genome position (GRCh38, 1-based): chr22:20,992,239, G>A. VCF-style: chr22-20992239-G-A. GRCh37 (hg19) VCF-style: chr22-21346528-G-A.
Other names: short protein forms R340Q.
Identifiers: ClinVar variation 1026217 (VCV001026217.17), dbSNP rs368589786, ClinGen allele CA10118700.

ClinVar aggregate classification (germline): Uncertain significance. Review status: criteria provided, multiple submitters, no conflicts (2 of 4 stars). 6 submissions from 6 submitters: Uncertain significance (6). Last evaluated 2026-01-14.

Conditions:
Cardiovascular phenotype. Identifiers: MedGen CN230736.
Hereditary cancer-predisposing syndrome. Also called: Tumor predisposition; Hereditary neoplastic syndrome; Neoplastic Syndromes, Hereditary; Hereditary Cancer Syndrome. Identifiers: Orphanet 140162, MedGen C0027672, MeSH D009386, MONDO:0015356.
LZTR1-related disorder. Also called: LZTR1-related disorders; LZTR1-related condition.
LZTR1-related schwannomatosis. Also called: Schwannomatosis 2; Schwannomatosis-2, susceptibility to. Identifiers: Orphanet 93921, MedGen C3810283, MONDO:0014299, OMIM 615670.

Allele frequency attached by ClinVar (database versions not stated): gnomAD exomes 0.00001; ExAC 0.00002; TOPMed 0.00002; gnomAD 0.00004; ESP Exome Variant Server 0.00008.
gnomAD v4.1: 49 of 1,613,872 alleles (0.003%); highest among the groups gnomAD compares: Middle Eastern, 0.017%; no homozygotes.

Submissions (6):

Labcorp Genetics (formerly Invitae), Labcorp
Classification: Uncertain significance. Last evaluated: 2026-01-14. Review status: criteria provided, single submitter. Criteria: Invitae Variant Classification Sherloc (09022015). Collection method: clinical testing. Allele origin: germline.
Comment: This sequence change replaces arginine, which is basic and polar, with glutamine, which is neutral and polar, at codon 340 of the LZTR1 protein (p.Arg340Gln). This variant is present in population databases (rs368589786, gnomAD 0.004%). This variant has not been reported in the literature in individuals affected with LZTR1-related conditions. ClinVar contains an entry for this variant (Variation ID: 1026217). Invitae Evidence Modeling of protein sequence and biophysical properties (such as structural, functional, and spatial information, amino acid conservation, physicochemical variation, residue mobility, and thermodynamic stability) indicates that this missense variant is not expected to disrupt LZTR1 protein function with a negative predictive value of 80%. In summary, the available evidence is currently insufficient to determine the role of this variant in disease. Therefore, it has been classified as a Variant of Uncertain Significance.

Ambry Genetics
Classification: Uncertain significance for Cardiovascular phenotype; Hereditary cancer-predisposing syndrome. Last evaluated: 2025-08-31. Review status: criteria provided, single submitter. Criteria: Ambry Variant Classification Scheme 2023. Collection method: clinical testing. Allele origin: germline.

Women's Health and Genetics/Laboratory Corporation of America, LabCorp
Classification: Uncertain significance. Last evaluated: 2025-03-12. Review status: criteria provided, single submitter. Criteria: LabCorp Variant Classification Summary - May 2015. Collection method: clinical testing. Allele origin: germline.
Comment: Variant summary: LZTR1 c.1019G>A (p.Arg340Gln) results in a conservative amino acid change in the encoded protein sequence. Five of five in-silico tools predict a benign effect of the variant on protein function. The variant allele was found at a frequency of 8e-06 in 250972 control chromosomes, predominantly at a frequency of 6.2e-05 within the African or African-American subpopulation in the gnomAD database. The available data on variant occurrences in the general population are insufficient to allow any conclusion about variant significance. To our knowledge, no occurrence of c.1019G>A in individuals affected with Noonan Syndrome 2 and no experimental evidence demonstrating its impact on protein function have been reported. ClinVar contains an entry for this variant (Variation ID: 1026217). Based on the evidence outlined above, the variant was classified as uncertain significance.

PreventionGenetics, part of Exact Sciences
Classification: Uncertain significance for LZTR1-related condition. Last evaluated: 2024-12-19. Review status: criteria provided, single submitter. Criteria: ACMG Guidelines, 2015. Collection method: clinical testing. Allele origin: germline.
Comment: The LZTR1 c.1019G>A variant is predicted to result in the amino acid substitution p.Arg340Gln. To our knowledge, this variant has not been reported in the literature. This variant is reported in 0.0040% of alleles in individuals of African descent in gnomAD. At this time, the clinical significance of this variant is uncertain due to the absence of conclusive functional and genetic evidence.

Baylor Genetics
Classification: Uncertain significance for LZTR1-related schwannomatosis. Last evaluated: 2024-03-28. Review status: criteria provided, single submitter. Criteria: ACMG Guidelines, 2015. Collection method: clinical testing. Allele origin: unknown.

Blueprint Genetics
Classification: Uncertain significance. Last evaluated: 2022-07-15. Review status: criteria provided, single submitter. Criteria: ACMG Guidelines, 2015. Collection method: clinical testing. Allele origin: germline.